The following is an entry in ClinVar:

NM_001374353.1(GLI2):c.355dup (p.His119fs)

Gene: GLI2 (GLI family zinc finger 2; plus strand). Cytogenetic location: 2q14.2.
Variant type: Duplication.
Coding change: c.355dup on transcript NM_001374353.1 (MANE Select); coding-DNA position 355, one base duplicated (C; older notation c.355dupC).
Protein change: p.His119fs; shifts the reading frame from histidine 119.
Molecular consequence: frameshift variant. On other transcripts: 5 prime UTR variant (1).
Genome position (GRCh38, 1-based): chr2:120,951,343, C duplicated; the last of 6 consecutive C bases (chr2:120,951,338-120,951,343); duplicating any one gives the same sequence. VCF-style (leftmost placement, unchanged base first): chr2-120951337-G-GC. GRCh37 (hg19) VCF-style: chr2-121708913-G-GC.
Other names: c.-21dup (NM_001374354.1); c.355dup, p.His119fs (NM_005270.5, NM_001371271.1); c.355dupC (NM_005270.4); short protein forms H119fs.
Identifiers: ClinVar variation 817823 (VCV000817823.5), dbSNP rs1573660204, ClinGen allele CA915942788.

ClinVar aggregate classification (germline): Likely pathogenic (1 of 4 stars; one submission).

Submission:

GeneDx
Classification: Likely pathogenic. Last evaluated: 2023-08-22. Review status: criteria provided, single submitter. Criteria: GeneDx Variant Classification Process June 2021. Collection method: clinical testing. Allele origin: germline. Affected: yes.
Comment: Frameshift variant predicted to result in protein truncation or nonsense mediated decay in a gene for which loss-of-function is a known mechanism of disease; Not observed in large population cohorts (gnomAD); Has not been previously published as pathogenic or benign to our knowledge